The following is an entry in ClinVar:

ClinVar aggregate classification (germline): Uncertain significance (1 of 4 stars; one submission).

gnomAD v4.1: 5 of 1,613,728 alleles (0.00031%); highest among the groups gnomAD compares: Non-Finnish European, 0.00034%; no homozygotes.

Submission:

Labcorp Genetics (formerly Invitae), Labcorp
Classification: Uncertain significance. Last evaluated: 2025-11-14. Review status: criteria provided, single submitter. Criteria: Invitae Variant Classification Sherloc (09022015). Collection method: clinical testing. Allele origin: germline.
Comment: This sequence change replaces serine, which is neutral and polar, with arginine, which is basic and polar, at codon 537 of the KMT2A protein (p.Ser537Arg). This variant is not present in population databases (gnomAD no frequency). This variant has not been reported in the literature in individuals affected with KMT2A-related conditions. Invitae Evidence Modeling of protein sequence and biophysical properties (such as structural, functional, and spatial information, amino acid conservation, physicochemical variation, residue mobility, and thermodynamic stability) indicates that this missense variant is not expected to disrupt KMT2A protein function with a negative predictive value of 95%. In summary, the available evidence is currently insufficient to determine the role of this variant in disease. Therefore, it has been classified as a Variant of Uncertain Significance.

NM_001197104.2(KMT2A):c.1609A>C (p.Ser537Arg)

Gene: KMT2A (lysine methyltransferase 2A; plus strand). Cytogenetic location: 11q23.3.
Variant type: single nucleotide variant.
Coding change: c.1609A>C on transcript NM_001197104.2 (MANE Select); coding-DNA position 1609, A replaced by C.
Protein change: p.Ser537Arg; replaces serine 537 with arginine.
Molecular consequence: missense variant.
Genome position (GRCh38, 1-based): chr11:118,472,768, A>C. VCF-style: chr11-118472768-A-C. GRCh37 (hg19) VCF-style: chr11-118343483-A-C.
Other names: c.1708A>C, p.Ser570Arg (NM_001412597.1); c.1609A>C, p.Ser537Arg (NM_005933.4); short protein forms S570R, S537R.
Identifiers: ClinVar variation 4708818 (VCV004708818.1).